The following is an entry in ClinVar:

NM_001267550.2(TTN):c.65792dup (p.Gly21932fs)

Genes: TTN (titin; minus strand), TTN-AS1 (TTN antisense RNA 1; plus strand). Cytogenetic location: 2q31.2.
Variant type: Duplication.
Coding change: c.65792dup on transcript NM_001267550.2 (MANE Select); coding-DNA position 65792, one base duplicated (C; older notation c.65792dupC).
Protein change: p.Gly21932fs; shifts the reading frame from glycine 21932.
Molecular consequence: frameshift variant. On other transcripts: non-coding transcript variant (1).
Genome position (GRCh38, 1-based): chr2:178,583,011, G duplicated on the plus strand (C on the coding strand, the reverse complement: TTN is on the minus strand). VCF-style (leftmost placement, unchanged base first): chr2-178583010-T-TG. GRCh37 (hg19) VCF-style: chr2-179447737-T-TG.
Other names: c.60869dup, p.Gly20291fs (NM_001256850.1); c.38597dup, p.Gly12867fs (NM_003319.4); c.58088dup, p.Gly19364fs (NM_133378.4); c.38972dup, p.Gly12992fs (NM_133432.3); c.39173dup, p.Gly13059fs (NM_133437.4); short protein forms G12867fs, G12992fs, G13059fs, G19364fs, G20291fs, G21932fs.
Identifiers: ClinVar variation 3382785 (VCV003382785.3).

ClinVar aggregate classification (germline): Likely pathogenic (1 of 4 stars; one submission).

Conditions:
Dilated cardiomyopathy 1G (CMD1G). Identifiers: Orphanet 154, MedGen C1858763, MONDO:0011400, OMIM 604145.
Hypertrophic cardiomyopathy 9. Also called: Familial hypertrophic cardiomyopathy 9. Identifiers: MedGen C1861065, MONDO:0013412, OMIM 613765.
Early-onset myopathy with fatal cardiomyopathy (CMYO5). Also called: Salih Myopathy; CONGENITAL MYOPATHY 5 WITH CARDIOMYOPATHY. Identifiers: Orphanet 289377, MedGen C2673677, MONDO:0012714, OMIM 611705. Disease mechanism: loss of function.
Tibial muscular dystrophy (TMD). Also called: Tibial muscular dystrophy, tardive; Udd Distal Myopathy – Tibial Muscular Dystrophy; UDD MYOPATHY. Identifiers: Orphanet 609, MedGen C1838244, MONDO:0010870, OMIM 600334.
Autosomal recessive limb-girdle muscular dystrophy type 2J (LGMDR10). Also called: MUSCULAR DYSTROPHY, LIMB-GIRDLE, AUTOSOMAL RECESSIVE 10; Limb-girdle muscular dystrophy, type 2J. Identifiers: Orphanet 140922, MedGen C1837342, MONDO:0012127, OMIM 608807.
Myopathy, myofibrillar, 9, with early respiratory failure (MFM9). Also called: EDSTROM MYOPATHY; Myopathy, distal, with early respiratory failure, autosomal dominant; Hereditary myopathy with early respiratory failure; MYOPATHY, PROXIMAL, WITH EARLY RESPIRATORY MUSCLE INVOLVEMENT. Identifiers: Orphanet 178464, Orphanet 34521, MedGen C1863599, MONDO:0011362, OMIM 603689.

Submission:

Juno Genomics, Hangzhou Juno Genomics, Inc
Classification: Likely pathogenic for Early-onset myopathy with fatal cardiomyopathy; Dilated cardiomyopathy 1G; Hypertrophic cardiomyopathy 9; Autosomal recessive limb-girdle muscular dystrophy type 2J; Myopathy, myofibrillar, 9, with early respiratory failure; Tibial muscular dystrophy. Review status: criteria provided, single submitter. Criteria: ACMG Guidelines, 2015. Collection method: clinical testing. Allele origin: germline.
Comment: Null variant in a gene where loss of function (LOF) is a known mechanism of disease.;Absent from controls (or at extremely low frequency if recessive) in Genome Aggregation Database.